The following is an entry in ClinVar:

ClinVar aggregate classification (germline): Uncertain significance (1 of 4 stars; one submission).

Conditions:
Neurodevelopmental disorder with or without hyperkinetic movements and seizures, autosomal dominant. Also called: Intellectual disability, autosomal dominant 8. Identifiers: MedGen C3280282, MONDO:0013655, OMIM 614254.

Submission:

Labcorp Genetics (formerly Invitae), Labcorp
Classification: Uncertain significance for Neurodevelopmental disorder with or without hyperkinetic movements and seizures, autosomal dominant. Last evaluated: 2024-12-07. Review status: criteria provided, single submitter. Criteria: Invitae Variant Classification Sherloc (09022015). Collection method: clinical testing. Allele origin: germline.
Comment: This sequence change replaces aspartic acid, which is acidic and polar, with valine, which is neutral and non-polar, at codon 552 of the GRIN1 protein (p.Asp552Val). This variant is not present in population databases (gnomAD no frequency). This variant has not been reported in the literature in individuals affected with GRIN1-related conditions. Invitae Evidence Modeling of protein sequence and biophysical properties (such as structural, functional, and spatial information, amino acid conservation, physicochemical variation, residue mobility, and thermodynamic stability) has been performed for this missense variant. However, the output from this modeling did not meet the statistical confidence thresholds required to predict the impact of this variant on GRIN1 protein function. This variant disrupts the p.Asp552 amino acid residue in GRIN1. Other variant(s) that disrupt this residue have been determined to be pathogenic (PMID: 25864721, 28095420). This suggests that this residue is clinically significant, and that variants that disrupt this residue are likely to be disease-causing. In summary, the available evidence is currently insufficient to determine the role of this variant in disease. Therefore, it has been classified as a Variant of Uncertain Significance.

Literature cited by the submitters: PubMed 25864721; PubMed 28095420.

NM_007327.4(GRIN1):c.1655A>T (p.Asp552Val)

Gene: GRIN1 (glutamate ionotropic receptor NMDA type subunit 1; plus strand). Cytogenetic location: 9q34.3.
Variant type: single nucleotide variant.
Coding change: c.1655A>T on transcript NM_007327.4 (MANE Select); coding-DNA position 1655, A replaced by T.
Protein change: p.Asp552Val; replaces aspartic acid 552 with valine.
Molecular consequence: missense variant.
Genome position (GRCh38, 1-based): chr9:137,162,194, A>T. VCF-style: chr9-137162194-A-T. GRCh37 (hg19) VCF-style: chr9-140056646-A-T.
Other names: c.1655A>T, p.Asp552Val (NM_021569.4, NM_000832.7); c.1718A>T, p.Asp573Val (NM_001185090.2, NM_001185091.2); short protein forms D552V, D573V.
Identifiers: ClinVar variation 3720513 (VCV003720513.2).